The following is an entry in ClinVar:

ClinVar aggregate classification (germline): Uncertain significance. Review status: criteria provided, multiple submitters, no conflicts (2 of 4 stars). 3 submissions from 3 submitters: Uncertain significance (3). Last evaluated 2024-01-29.

Conditions:
Leber congenital amaurosis 9 (LCA9). Also called: LCA9 Leber Congenital Amaurosis; LCA 9; Amaurosis congenita of Leber, type 9. Identifiers: Orphanet 65, MedGen C1837873, MONDO:0012056, OMIM 608553.

Allele frequency attached by ClinVar (database versions not stated): gnomAD 0.00001; TOPMed 0.00001.
gnomAD v4.1: 1 of 1,613,954 alleles (0.000062%); highest among the groups gnomAD compares: Non-Finnish European, 0.000085%; no homozygotes.

Submissions (3):

GeneDx
Classification: Uncertain significance. Last evaluated: 2024-01-29. Review status: criteria provided, single submitter. Criteria: GeneDx Variant Classification Process June 2021. Collection method: clinical testing. Allele origin: germline. Affected: yes.
Comment: Identified with a pathogenic NMNAT1 variant in a patient with Leber congenital amaurosis in the published literature, but it is not known whether the variants occurred on the same (in cis) or on different (in trans) chromosomes (PMID: 24940029); In silico analysis supports that this missense variant has a deleterious effect on protein structure/function; Not observed at significant frequency in large population cohorts (gnomAD); This variant is associated with the following publications: (PMID: 24940029)

Labcorp Genetics (formerly Invitae), Labcorp
Classification: Uncertain significance for Leber congenital amaurosis 9. Last evaluated: 2023-10-04. Review status: criteria provided, single submitter. Criteria: Invitae Variant Classification Sherloc (09022015). Collection method: clinical testing. Allele origin: germline.
Comment: This sequence change replaces tryptophan, which is neutral and slightly polar, with arginine, which is basic and polar, at codon 85 of the NMNAT1 protein (p.Trp85Arg). This variant is not present in population databases (gnomAD no frequency). This missense change has been observed in individuals with Leber congenital amaurosis (PMID: 24940029; Invitae). ClinVar contains an entry for this variant (Variation ID: 1810158). Advanced modeling of protein sequence and biophysical properties (such as structural, functional, and spatial information, amino acid conservation, physicochemical variation, residue mobility, and thermodynamic stability) performed at Invitae indicates that this missense variant is expected to disrupt NMNAT1 protein function. In summary, the available evidence is currently insufficient to determine the role of this variant in disease. Therefore, it has been classified as a Variant of Uncertain Significance.

Blueprint Genetics
Classification: Uncertain significance. Last evaluated: 2019-08-08. Review status: criteria provided, single submitter. Criteria: ACMG Guidelines, 2015. Collection method: clinical testing. Allele origin: germline.

Literature cited by the submitters: PubMed 24940029 (cited by Labcorp Genetics (formerly Invitae), Labcorp).

NM_022787.4(NMNAT1):c.253T>C (p.Trp85Arg)

Gene: NMNAT1 (nicotinamide nucleotide adenylyltransferase 1; plus strand). Cytogenetic location: 1p36.22.
Variant type: single nucleotide variant.
Coding change: c.253T>C on transcript NM_022787.4 (MANE Select); coding-DNA position 253, T replaced by C.
Protein change: p.Trp85Arg; replaces tryptophan 85 with arginine.
Molecular consequence: missense variant.
Genome position (GRCh38, 1-based): chr1:9,975,729, T>C. VCF-style: chr1-9975729-T-C. GRCh37 (hg19) VCF-style: chr1-10035787-T-C.
Other names: c.253T>C, p.Trp85Arg (NM_001297778.1, NM_001297779.2); short protein forms W85R.
Identifiers: ClinVar variation 1810158 (VCV001810158.5), dbSNP rs755593250, ClinGen allele CA18234680.
Genomic context (GRCh38, chr1:9,975,729, plus strand): 5'-CACCGGGTCATCATGGCAGAACTTGCTACCAAGAATTCTAAATGGGTGGAAGTTGATACA[T>C]GGGAAAGTCTTCAGAAGGAGTGGAAAGAGACTCTGAAGGTGCTAAGGTATTTATGGTGTA-3'
Protein context (NP_073624.2, residues 75-95): KNSKWVEVDT[Trp85Arg]ESLQKEWKET